The following is an entry in ClinVar:

ClinVar aggregate classification (germline): Uncertain significance (1 of 4 stars; one submission).

Submission:

Labcorp Genetics (formerly Invitae), Labcorp
Classification: Uncertain significance. Last evaluated: 2022-10-13. Review status: criteria provided, single submitter. Criteria: Invitae Variant Classification Sherloc (09022015). Collection method: clinical testing. Allele origin: germline.
Comment: This variant is not present in population databases (gnomAD no frequency). This sequence change replaces threonine, which is neutral and polar, with isoleucine, which is neutral and non-polar, at codon 775 of the IMPG2 protein (p.Thr775Ile). This variant has not been reported in the literature in individuals affected with IMPG2-related conditions. In summary, the available evidence is currently insufficient to determine the role of this variant in disease. Therefore, it has been classified as a Variant of Uncertain Significance. ClinVar contains an entry for this variant (Variation ID: 1042046). Advanced modeling of protein sequence and biophysical properties (such as structural, functional, and spatial information, amino acid conservation, physicochemical variation, residue mobility, and thermodynamic stability) has been performed at Invitae for this missense variant, however the output from this modeling did not meet the statistical confidence thresholds required to predict the impact of this variant on IMPG2 protein function.

NM_016247.4(IMPG2):c.2324C>T (p.Thr775Ile)

Gene: IMPG2 (interphotoreceptor matrix proteoglycan 2; minus strand). Cytogenetic location: 3q12.3.
Variant type: single nucleotide variant.
Coding change: c.2324C>T on transcript NM_016247.4 (MANE Select); coding-DNA position 2324, C replaced by T.
Protein change: p.Thr775Ile; replaces threonine 775 with isoleucine.
Molecular consequence: missense variant.
Genome position (GRCh38, 1-based): chr3:101,244,007, G>A on the plus strand (C>T on the coding strand, the complement: IMPG2 is on the minus strand). VCF-style: chr3-101244007-G-A. GRCh37 (hg19) VCF-style: chr3-100962851-G-A.
Other names: short protein forms T775I.
Identifiers: ClinVar variation 1042046 (VCV001042046.8), dbSNP rs770063113, ClinGen allele CA353857882.